The following is an entry in ClinVar:

ClinVar aggregate classification (germline): Uncertain significance. Review status: criteria provided, multiple submitters, no conflicts (2 of 4 stars). 2 submissions from 2 submitters: Uncertain significance (2). Last evaluated 2026-01-06.

Conditions:
Brugada syndrome. Also called: Sudden unexpected nocturnal death syndrome; Sudden Unexplained Nocturnal Death Syndrome (SUNDS); Sudden Unexplained Death Syndrome; Sudden unexplained nocturnal death syndrome. Identifiers: Orphanet 130, MedGen C1142166, MONDO:0015263.
Cardiovascular phenotype. Identifiers: MedGen CN230736.

Allele frequency attached by ClinVar (database versions not stated): gnomAD 0.00001; gnomAD exomes 0.00001; TOPMed 0.00001.
gnomAD v4.1: 15 of 1,614,030 alleles (0.00093%); highest among the groups gnomAD compares: East Asian, 0.0045%; no homozygotes.

Submissions (2):

Ambry Genetics
Classification: Uncertain significance for Cardiovascular phenotype. Last evaluated: 2026-01-06. Review status: criteria provided, single submitter. Criteria: Ambry Variant Classification Scheme 2023. Collection method: clinical testing. Allele origin: germline.
Comment: The p.G1893S variant (also known as c.5677G>A), located in coding exon 27 of the SCN10A gene, results from a G to A substitution at nucleotide position 5677. The glycine at codon 1893 is replaced by serine, an amino acid with similar properties. This amino acid position is not well conserved in available vertebrate species. In addition, this alteration is predicted to be tolerated by in silico analysis. The evidence for this gene-disease relationship is limited; therefore, the clinical significance of this alteration is unclear.

Labcorp Genetics (formerly Invitae), Labcorp
Classification: Uncertain significance for Brugada syndrome. Last evaluated: 2024-10-08. Review status: criteria provided, single submitter. Criteria: Invitae Variant Classification Sherloc (09022015). Collection method: clinical testing. Allele origin: germline.
Comment: This sequence change replaces glycine, which is neutral and non-polar, with serine, which is neutral and polar, at codon 1893 of the SCN10A protein (p.Gly1893Ser). This variant is not present in population databases (gnomAD no frequency). This variant has not been reported in the literature in individuals affected with SCN10A-related conditions. ClinVar contains an entry for this variant (Variation ID: 971166). Invitae Evidence Modeling of protein sequence and biophysical properties (such as structural, functional, and spatial information, amino acid conservation, physicochemical variation, residue mobility, and thermodynamic stability) indicates that this missense variant is not expected to disrupt SCN10A protein function with a negative predictive value of 80%. In summary, the available evidence is currently insufficient to determine the role of this variant in disease. Therefore, it has been classified as a Variant of Uncertain Significance.

NM_006514.4(SCN10A):c.5677G>A (p.Gly1893Ser)

Gene: SCN10A (sodium voltage-gated channel alpha subunit 10; minus strand). Cytogenetic location: 3p22.2.
Variant type: single nucleotide variant.
Coding change: c.5677G>A on transcript NM_006514.4 (MANE Select); coding-DNA position 5677, G replaced by A.
Protein change: p.Gly1893Ser; replaces glycine 1893 with serine.
Molecular consequence: missense variant.
Genome position (GRCh38, 1-based): chr3:38,697,543, C>T on the plus strand (G>A on the coding strand, the complement: SCN10A is on the minus strand). VCF-style: chr3-38697543-C-T. GRCh37 (hg19) VCF-style: chr3-38739034-C-T.
Other names: c.5674G>A, p.Gly1892Ser (NM_001293306.2); c.5383G>A, p.Gly1795Ser (NM_001293307.2); c.5677G>A (NM_006514.2); short protein forms G1892S, G1795S, G1893S.
Identifiers: ClinVar variation 971166 (VCV000971166.8), dbSNP rs1195353680, ClinGen allele CA352152584.